The following is an entry in ClinVar:

ClinVar aggregate classification (germline): Uncertain significance (1 of 4 stars; one submission).

Conditions:
Niemann-Pick disease, type C1. Also called: NEUROVISCERAL STORAGE DISEASE WITH VERTICAL SUPRANUCLEAR OPHTHALMOPLEGIA; NIEMANN-PICK DISEASE WITH CHOLESTEROL ESTERIFICATION BLOCK; NIEMANN-PICK DISEASE WITHOUT SPHINGOMYELINASE DEFICIENCY; NIEMANN-PICK DISEASE, CHRONIC NEURONOPATHIC FORM; NIEMANN-PICK DISEASE, VARIANT TYPE C1. Identifiers: Orphanet 646, MedGen C3179455, MONDO:0009757, OMIM 257220.

Submission:

Labcorp Genetics (formerly Invitae), Labcorp
Classification: Uncertain significance for Niemann-Pick disease, type C1. Last evaluated: 2022-03-12. Review status: criteria provided, single submitter. Criteria: Invitae Variant Classification Sherloc (09022015). Collection method: clinical testing. Allele origin: germline.
Comment: In summary, the available evidence is currently insufficient to determine the role of this variant in disease. Therefore, it has been classified as a Variant of Uncertain Significance. Advanced modeling of protein sequence and biophysical properties (such as structural, functional, and spatial information, amino acid conservation, physicochemical variation, residue mobility, and thermodynamic stability) performed at Invitae indicates that this missense variant is not expected to disrupt NPC1 protein function. This variant has not been reported in the literature in individuals affected with NPC1-related conditions. This variant is not present in population databases (gnomAD no frequency). This sequence change replaces serine, which is neutral and polar, with asparagine, which is neutral and polar, at codon 527 of the NPC1 protein (p.Ser527Asn).

NM_000271.5(NPC1):c.1580G>A (p.Ser527Asn)

Gene: NPC1 (NPC intracellular cholesterol transporter 1; minus strand). Cytogenetic location: 18q11.2.
Variant type: single nucleotide variant.
Coding change: c.1580G>A on transcript NM_000271.5 (MANE Select); coding-DNA position 1580, G replaced by A.
Protein change: p.Ser527Asn; replaces serine 527 with asparagine.
Molecular consequence: missense variant.
Genome position (GRCh38, 1-based): chr18:23,551,701, C>T on the plus strand (G>A on the coding strand, the complement: NPC1 is on the minus strand). VCF-style: chr18-23551701-C-T. GRCh37 (hg19) VCF-style: chr18-21131665-C-T.
Other names: short protein forms S527N.
Identifiers: ClinVar variation 2148327 (VCV002148327.3), dbSNP rs2511263078, ClinGen allele CA401774871.
Genomic context (GRCh38, chr18:23,551,701, plus strand): 5'-AACACAAGCCACGGGAACACTGGTCCACCAAACGTACCCAGACAAGGGTCATGGAGCAAA[C>T]TTGTATCATTCAGAGAGGCAGGAGCCCTGCCAAAAAGTTTAGAAAACACCTCCCAGTTAG-3'
Protein context (NP_000262.2, residues 517-537): VRAPASLNDT[Ser527Asn]LLHDPCLGTF